The following is an entry in ClinVar:

ClinVar aggregate classification (germline): Uncertain significance (1 of 4 stars; one submission).

Conditions:
Inborn genetic diseases. Identifiers: MedGen C0950123, MeSH D030342.

Submission:

Ambry Genetics
Classification: Uncertain significance for Inborn genetic diseases. Last evaluated: 2025-01-13. Review status: criteria provided, single submitter. Criteria: Ambry Variant Classification Scheme 2023. Collection method: clinical testing. Allele origin: germline.
Comment: The c.1253+4G>A intronic variant results from a G to A substitution 4 nucleotides after coding exon 7 in the ETV6 gene. This nucleotide position is not well conserved in available vertebrate species. In silico splice site analysis predicts that this alteration will not have any significant effect on splicing. Based on the available evidence, the clinical significance of this variant remains unclear.

NM_001987.5(ETV6):c.1253+4G>A

Gene: ETV6 (ETS variant transcription factor 6; plus strand). Cytogenetic location: 12p13.2.
Variant type: single nucleotide variant.
Coding change: c.1253+4G>A on transcript NM_001987.5 (MANE Select); 4 bases into the intron after coding-DNA position 1253, G replaced by A.
Molecular consequence: intron variant.
Genome position (GRCh38, 1-based): chr12:11,886,030, G>A. VCF-style: chr12-11886030-G-A. GRCh37 (hg19) VCF-style: chr12-12038964-G-A.
Other names: c.1226+4G>A (NM_001413914.1); c.1010-4911G>A (NM_001413917.1); c.1250+4G>A (NM_001413913.1); c.989+4G>A (NM_001413915.1).
Identifiers: ClinVar variation 3846486 (VCV003846486.1).